The following is an entry in ClinVar:

NM_001035.3(RYR2):c.1066T>G (p.Tyr356Asp)

Gene: RYR2 (ryanodine receptor 2; plus strand). Cytogenetic location: 1q43.
Variant type: single nucleotide variant.
Coding change: c.1066T>G on transcript NM_001035.3 (MANE Select); coding-DNA position 1066, T replaced by G.
Protein change: p.Tyr356Asp; replaces tyrosine 356 with aspartic acid.
Molecular consequence: missense variant.
Genome position (GRCh38, 1-based): chr1:237,441,379, T>G. VCF-style: chr1-237441379-T-G. GRCh37 (hg19) VCF-style: chr1-237604679-T-G.
Other names: p.Y356D:TAC>GAC; c.1066T>G, p.Tyr356Asp (LRG_402t1); short protein forms Y356D.
Identifiers: ClinVar variation 201207 (VCV000201207.2), dbSNP rs794728718, ClinGen allele CA006732.

ClinVar aggregate classification (germline): Likely pathogenic (1 of 4 stars; one submission).

Submission:

GeneDx
Classification: Likely pathogenic. Last evaluated: 2014-08-20. Review status: criteria provided, single submitter. Criteria: GeneDx Variant Classification (06012015). Collection method: clinical testing. Allele origin: germline. Affected: yes.
Comment: p.Tyr356Asp (TAC>GAC): c.1066 T>G in exon 13 of the RYR2 gene (NM_001035.2). Approximately 50% of patients with autosomal dominant CPVT have been reported to have a mutation in the RYR2 gene, while mutations in the RYR2 gene associated with ARVC are rare (McNally E et al., 2009; Napolitano C et al., 2012). It has not been published as a mutation, nor has it been reported as a benign polymorphism to our knowledge. The Y356D variant was not observed in approximately 6,000 individuals of European and African American ancestry in the NHLBI Exome Sequencing Project, indicating it is not a common benign variant in these populations. The Y356D variant is a non-conservative amino acid substitution, which is likely to impact secondary protein structure as these residues differ in polarity, charge, size and/or other properties. Additionally, this substitution occurs at a position that is conserved across species and in silico analysis predicts this variant is probably damaging to the protein structure/function. Furthermore, a missense mutation in a nearby residue (G357S) has been reported in association with CPVT, supporting the functional importance of this region of the protein. Therefore, this variant is a strong candidate for a pathogenic mutation, however the possibility that it is a benign variant cannot be excluded. The variant is found in ARRHYTHMIA panel(s).